The following is an entry in ClinVar:

NM_000211.5(ITGB2):c.757C>A (p.Arg253Ser)

Gene: ITGB2 (integrin subunit beta 2; minus strand). Cytogenetic location: 21q22.3.
Variant type: single nucleotide variant.
Coding change: c.757C>A on transcript NM_000211.5 (MANE Select); coding-DNA position 757, C replaced by A.
Protein change: p.Arg253Ser; replaces arginine 253 with serine.
Molecular consequence: missense variant.
Genome position (GRCh38, 1-based): chr21:44,900,460, G>T on the plus strand (C>A on the coding strand, the complement: ITGB2 is on the minus strand). VCF-style: chr21-44900460-G-T. GRCh37 (hg19) VCF-style: chr21-46320375-G-T.
Other names: c.757C>A, p.Arg253Ser (NM_001127491.3); c.550C>A, p.Arg184Ser (NM_001303238.2); short protein forms R184S, R253S.
Identifiers: ClinVar variation 1460972 (VCV001460972.5), dbSNP rs772607011, ClinGen allele CA10063076.

ClinVar aggregate classification (germline): Uncertain significance (1 of 4 stars; one submission).

Conditions:
Leukocyte adhesion deficiency 1 (LAD1). Also called: LEUKOCYTE ADHESION DEFICIENCY, TYPE I; LAD 1; Lymphocyte function-associated antigen 1 immunodeficiency; LFA 1 immunodeficiency. Identifiers: Orphanet 2968, Orphanet 99842, MedGen C0398738, MONDO:0007293, OMIM 116920.

gnomAD v4.1: 5 of 1,613,394 alleles (0.00031%); highest among the groups gnomAD compares: South Asian, 0.0022%; no homozygotes.

Submission:

Labcorp Genetics (formerly Invitae), Labcorp
Classification: Uncertain significance for Leukocyte adhesion deficiency 1. Last evaluated: 2021-08-31. Review status: criteria provided, single submitter. Criteria: Invitae Variant Classification Sherloc (09022015). Collection method: clinical testing. Allele origin: germline.
Comment: This sequence change replaces arginine with serine at codon 253 of the ITGB2 protein (p.Arg253Ser). The arginine residue is highly conserved and there is a moderate physicochemical difference between arginine and serine. The frequency data for this variant in the population databases is considered unreliable, as metrics indicate poor data quality at this position in the ExAC database. This variant has not been reported in the literature in individuals affected with ITGB2-related conditions. Algorithms developed to predict the effect of missense changes on protein structure and function (SIFT, PolyPhen-2, Align-GVGD) all suggest that this variant is likely to be disruptive. In summary, the available evidence is currently insufficient to determine the role of this variant in disease. Therefore, it has been classified as a Variant of Uncertain Significance.